The following is an entry in ClinVar:

NM_080680.3(COL11A2):c.4662C>T (p.Ile1554=)

Gene: COL11A2 (collagen type XI alpha 2 chain; minus strand). Cytogenetic location: 6p21.32.
Variant type: single nucleotide variant.
Coding change: c.4662C>T on transcript NM_080680.3 (MANE Select); coding-DNA position 4662, C replaced by T.
Protein change: p.Ile1554=; no amino-acid change (isoleucine 1554 retained).
Molecular consequence: synonymous variant.
Genome position (GRCh38, 1-based): chr6:33,165,637, G>A on the plus strand (C>T on the coding strand, the complement: COL11A2 is on the minus strand). VCF-style: chr6-33165637-G-A. GRCh37 (hg19) VCF-style: chr6-33133414-G-A.
Other names: c.4341C>T, p.Ile1447= (NM_080679.3); c.4404C>T, p.Ile1468= (NM_080681.3).
Identifiers: ClinVar variation 547223 (VCV000547223.11), dbSNP rs375518774, ClinGen allele CA3750026.
Genomic context (GRCh38, chr6:33,165,637, plus strand): 5'-CAGGTCCTGGCAGGTGCGAGCAGGGCTGTCCTGGGTCCCTGTTGGCCGCCTCATCTGCTC[G>A]ATCTCCTCCCGCAGGGAGTCGAGTGAGCCAAAGATCTCCTCCAGCCCCCCAGGACTGCCG-3'
Protein context (NP_542411.2, residues 1544-1564): FGSLDSLREE[Ile1554=]EQMRRPTGTQ

ClinVar aggregate classification (germline): Likely benign. Review status: criteria provided, multiple submitters, no conflicts (2 of 4 stars). 4 submissions from 4 submitters: Likely benign (3). 1 of the submissions does not count toward it. Last evaluated 2026-01-14.

Conditions:
Connective tissue disorder. Also called: Connective tissue disease. Identifiers: MedGen C0009782, MONDO:0003900.
COL11A2-related disorder. Also called: COL11A2-related condition; COL11A2-related disorders.

Allele frequency attached by ClinVar (database versions not stated): TOPMed 0.00003; gnomAD 0.00005; ESP Exome Variant Server 0.00008.

Submissions (4):

Labcorp Genetics (formerly Invitae), Labcorp
Classification: Likely benign. Last evaluated: 2026-01-14. Review status: criteria provided, single submitter. Criteria: Invitae Variant Classification Sherloc (09022015). Collection method: clinical testing. Allele origin: germline.

Blueprint Genetics
Classification: Likely benign. Last evaluated: 2022-05-05. Review status: criteria provided, single submitter. Criteria: ACMG Guidelines, 2015. Collection method: clinical testing. Allele origin: germline.

Center for Human Genetics, Inc
Classification: Likely benign for Connective tissue disorder. Last evaluated: 2016-11-01. Review status: criteria provided, single submitter. Criteria: ACMG Guidelines, 2015. Collection method: clinical testing. Allele origin: germline. Affected: yes.

PreventionGenetics, part of Exact Sciences
Classification: Likely benign for COL11A2-related condition. Last evaluated: 2024-07-11. Review status: no assertion criteria provided. Collection method: clinical testing. Allele origin: germline. Not counted in ClinVar's aggregate classification.
Comment: This variant is classified as likely benign based on ACMG/AMP sequence variant interpretation guidelines (Richards et al. 2015 PMID: 25741868, with internal and published modifications).